The following is an entry in ClinVar:

NM_024876.4(COQ8B):c.187C>T (p.Arg63Trp)

Gene: COQ8B (coenzyme Q8B; minus strand). Cytogenetic location: 19q13.2.
Variant type: single nucleotide variant.
Coding change: c.187C>T on transcript NM_024876.4 (MANE Select); coding-DNA position 187, C replaced by T.
Protein change: p.Arg63Trp; replaces arginine 63 with tryptophan.
Molecular consequence: missense variant.
Genome position (GRCh38, 1-based): chr19:40,714,313, G>A on the plus strand (C>T on the coding strand, the complement: COQ8B is on the minus strand). VCF-style: chr19-40714313-G-A. GRCh37 (hg19) VCF-style: chr19-41220218-G-A.
Other names: c.187C>T, p.Arg63Trp (NM_001142555.3); short protein forms R63W.
Identifiers: ClinVar variation 559233 (VCV000559233.45), dbSNP rs113358395, ClinGen allele CA9450523.

ClinVar aggregate classification (germline): Conflicting classifications of pathogenicity. Review status: criteria provided, conflicting classifications (1 of 4 stars). 8 submissions from 8 submitters: Uncertain significance (1); Benign (3); Likely benign (1). 3 of the submissions do not count toward it. Last evaluated 2026-08-01.

Conditions:
Retinal disorder. Also called: Retinopathy; Retinal disorders; Retinopathies; Retinal Diseases. Identifiers: MedGen C0035309, MONDO:0005283, HP:0000488.
COQ8B-related disorder. Also called: COQ8B-related condition.
Retinitis pigmentosa (RP). Identifiers: Orphanet 791, MedGen C0035334, MeSH D012174, MONDO:0019200, OMIM 268000. Inheritance: Autosomal dominant, autosomal recessive and X linked inheritance.

Allele frequency attached by ClinVar (database versions not stated): 1000 Genomes Project 30x 0.00109; 1000 Genomes Project 0.00140; TOPMed 0.00302; ESP Exome Variant Server 0.00331; gnomAD 0.00341 and 0.00351; gnomAD exomes 0.00379 and 0.00508; ExAC 0.00399.
gnomAD v4.1: 7,879 of 1,613,906 alleles (0.49%); highest among the groups gnomAD compares: Non-Finnish European, 0.58%; 22 homozygotes.

Submissions (8):

CeGaT Center for Human Genetics Tuebingen
Classification: Likely benign. Last evaluated: 2026-08-01. Review status: criteria provided, single submitter. Criteria: CeGaT Center For Human Genetics Tuebingen Variant Classification Criteria Version 2. Collection method: clinical testing. Allele origin: germline. Affected: yes. Observed: 14 variant alleles.
Comment: COQ8B: BS2

Labcorp Genetics (formerly Invitae), Labcorp
Classification: Benign. Last evaluated: 2026-02-01. Review status: criteria provided, single submitter. Criteria: Invitae Variant Classification Sherloc (09022015). Collection method: clinical testing. Allele origin: germline.

Genetics Laboratory, Great Ormond Street Hospital NHS Foundation Trust, North Thames Genomic Laboratory Hub
Classification: Uncertain significance for Retinal disorders. Last evaluated: 2025-11-27. Review status: criteria provided, single submitter. Criteria: ACGS Best Practice Guidelines for Variant Classification in Rare Disease 2024 v1.2. Collection method: clinical testing. Allele origin: germline. Affected: yes.
Comment: PP1_strong

GeneDx
Classification: Benign. Last evaluated: 2019-11-27. Review status: criteria provided, single submitter. Criteria: GeneDx Variant Classification Process June 2021. Collection method: clinical testing. Allele origin: germline. Affected: yes.
Comment: This variant is associated with the following publications: (PMID: 28550590)

Breakthrough Genomics
Classification: Benign. Review status: criteria provided, single submitter. Criteria: ACMG Guidelines, 2015. Collection method: not provided. Allele origin: germline. Inheritance: Autosomal recessive inheritance. Affected: yes.

Ophthalmic Genetics Group, Institute of Molecular and Clinical Ophthalmology Basel
Classification: Likely risk allele for Retinitis pigmentosa. Last evaluated: 2024-07-12. Review status: no assertion criteria provided. Collection method: research, in vitro. Allele origin: inherited, not applicable. Inheritance: Autosomal recessive inheritance. Affected: yes. Observed: 3 compound heterozygotes. Functional consequence: Uncertain function. Not counted in ClinVar's aggregate classification.
Comment: COQ8B p.(Arg63Trp), is a missense variant involving an amino acid conserved in all vertebrates. Different in silico tools predicted it to have deleterious effects on the protein. This variant could represent a hypomorphic allele that is disease-causing only when it is in trans with a more severe variant.

PreventionGenetics, part of Exact Sciences
Classification: Likely benign for COQ8B-related condition. Last evaluated: 2020-08-19. Review status: no assertion criteria provided. Collection method: clinical testing. Allele origin: germline. Not counted in ClinVar's aggregate classification.
Comment: This variant is classified as likely benign based on ACMG/AMP sequence variant interpretation guidelines (Richards et al. 2015 PMID: 25741868, with internal and published modifications).

Mayo Clinic Laboratories, Mayo Clinic
Classification: Uncertain significance. Last evaluated: 2016-02-23. Review status: no assertion criteria provided. Collection method: clinical testing. Allele origin: unknown. Not counted in ClinVar's aggregate classification.

Literature cited by the submitters: PubMed 39226897 (cited by Ophthalmic Genetics Group, Institute of Molecular and Clinical Ophthalmology Basel).